The following is an entry in ClinVar:

ClinVar aggregate classification (germline): Uncertain significance. Review status: criteria provided, multiple submitters, no conflicts (2 of 4 stars). 3 submissions from 3 submitters: Uncertain significance (3). Last evaluated 2021-11-11.

Conditions:
Autosomal dominant Alport syndrome (ATS3A). Also called: ALPORT SYNDROME 3A, AUTOSOMAL DOMINANT; Alport syndrome dominant type; Renal failure and sensorineural hearing loss. Identifiers: Orphanet 63, Orphanet 88918, MedGen C5882663, MONDO:0007086, OMIM 104200.
Autosomal recessive Alport syndrome (ATS2). Also called: COL4A4 Alport Syndrome and Thin Basement Membrane Nephropathy; ALPORT SYNDROME 2, AUTOSOMAL RECESSIVE; Alport syndrome type 2; COL4A3-Related Nephropathy. Identifiers: Orphanet 63, Orphanet 88919, MedGen C4746745, MONDO:0008762, OMIM 203780.
Benign familial hematuria. Also called: thin basement membrane disease. Identifiers: MedGen C0241908, MONDO:0957317.

Submissions (3):

Fulgent Genetics
Classification: Uncertain significance for Autosomal dominant Alport syndrome; Hematuria, benign familial, 1; Autosomal recessive Alport syndrome. Last evaluated: 2021-11-11. Review status: criteria provided, single submitter. Criteria: ACMG Guidelines, 2015. Collection method: clinical testing. Allele origin: unknown.

Labcorp Genetics (formerly Invitae), Labcorp
Classification: Uncertain significance. Last evaluated: 2021-08-28. Review status: criteria provided, single submitter. Criteria: Invitae Variant Classification Sherloc (09022015). Collection method: clinical testing. Allele origin: germline.
Comment: This sequence change replaces proline with alanine at codon 598 of the COL4A3 protein (p.Pro598Ala). The proline residue is highly conserved and there is a small physicochemical difference between proline and alanine. This variant is not present in population databases (ExAC no frequency). This variant has not been reported in the literature in individuals affected with COL4A3-related conditions. Algorithms developed to predict the effect of missense changes on protein structure and function are either unavailable or do not agree on the potential impact of this missense change (SIFT: "Tolerated"; PolyPhen-2: "Not Available"; Align-GVGD: "Class C0"). In summary, the available evidence is currently insufficient to determine the role of this variant in disease. Therefore, it has been classified as a Variant of Uncertain Significance.

Breakthrough Genomics
Classification: Uncertain significance. Review status: criteria provided, single submitter. Criteria: ACMG Guidelines, 2015. Collection method: not provided. Allele origin: germline. Inheritance: Autosomal recessive inheritance. Affected: yes.

NM_000091.5(COL4A3):c.1792C>G (p.Pro598Ala)

Genes: COL4A3 (collagen type IV alpha 3 chain; plus strand), MFF-DT (MFF divergent transcript; minus strand). Cytogenetic location: 2q36.3.
Variant type: single nucleotide variant.
Coding change: c.1792C>G on transcript NM_000091.5 (MANE Select); coding-DNA position 1792, C replaced by G.
Protein change: p.Pro598Ala; replaces proline 598 with alanine.
Molecular consequence: missense variant.
Genome position (GRCh38, 1-based): chr2:227,272,982, C>G. VCF-style: chr2-227272982-C-G. GRCh37 (hg19) VCF-style: chr2-228137698-C-G.
Other names: short protein forms P598A.
Identifiers: ClinVar variation 1011107 (VCV001011107.8), dbSNP rs2071331630, ClinGen allele CA350844803.